The following is an entry in ClinVar:

ClinVar aggregate classification (germline): Uncertain significance. Review status: criteria provided, multiple submitters, no conflicts (2 of 4 stars). 3 submissions from 3 submitters: Uncertain significance (3). Last evaluated 2026-07-07.

Conditions:
Epidermolysis bullosa simplex 3, localized or generalized intermediate, with BP230 deficiency (EBS3). Also called: Epidermolysis bullosa simplex, autosomal recessive 2; Epidermolysis bullosa simplex due to BP230 deficiency. Identifiers: Orphanet 412181, MedGen C3809470, MONDO:0014180, OMIM 615425.
Hereditary sensory and autonomic neuropathy type 6. Also called: HSAN VI; Neuropathy, hereditary sensory and autonomic, type VI. Identifiers: Orphanet 314381, MedGen C3539003, MONDO:0013839, OMIM 614653.
DST-related disorder. Also called: DST-related condition; DST-related disorders.

Allele frequency attached by ClinVar (database versions not stated): ExAC 0.00009; gnomAD exomes 0.00011; gnomAD 0.00039 and 0.00036; TOPMed 0.00040; ESP Exome Variant Server 0.00025.
gnomAD v4.1: 101 of 1,596,598 alleles (0.0063%); highest among the groups gnomAD compares: African/African-American, 0.12%; no homozygotes.

Submissions (3):

PreventionGenetics, part of Exact Sciences
Classification: Uncertain significance for DST-related condition. Last evaluated: 2026-07-07. Review status: criteria provided, single submitter. Criteria: ACMG Guidelines, 2015. Collection method: clinical testing. Allele origin: germline.
Comment: The DST c.16535T>C variant is predicted to result in the amino acid substitution p.Leu5512Pro. To our knowledge, this variant has not been reported in the literature. This variant is reported in 0.12% of alleles in individuals of African descent in gnomAD. Although we suspect that this variant may be benign, at this time, the clinical significance of this variant is uncertain due to the absence of conclusive functional and genetic evidence.

Labcorp Genetics (formerly Invitae), Labcorp
Classification: Uncertain significance for Epidermolysis bullosa simplex 3, localized or generalized intermediate, with BP230 deficiency; Hereditary sensory and autonomic neuropathy type 6. Last evaluated: 2026-01-22. Review status: criteria provided, single submitter. Criteria: Invitae Variant Classification Sherloc (09022015). Collection method: clinical testing. Allele origin: germline.
Comment: The DST gene has multiple clinically relevant transcripts. This variant occurs in alternate transcript NM_015548.4, and corresponds to NM_001723.5:c.*152365T>C in the primary transcript. This sequence change replaces leucine, which is neutral and non-polar, with proline, which is neutral and non-polar, at codon 5008 of the DST protein (p.Leu5008Pro). This variant is present in population databases (rs375019954, gnomAD 0.1%). This variant has not been reported in the literature in individuals affected with DST-related conditions. ClinVar contains an entry for this variant (Variation ID: 972435). Experimental studies and prediction algorithms are not available or were not evaluated, and the functional significance of this variant is currently unknown. In summary, the available evidence is currently insufficient to determine the role of this variant in disease. Therefore, it has been classified as a Variant of Uncertain Significance.

Blueprint Genetics
Classification: Uncertain significance. Last evaluated: 2024-08-28. Review status: criteria provided, single submitter. Criteria: ACMG Guidelines, 2015. Collection method: clinical testing. Allele origin: germline.

NM_001374736.1(DST):c.22964T>C (p.Leu7655Pro)

Gene: DST (dystonin; minus strand). Cytogenetic location: 6p12.1.
Variant type: single nucleotide variant.
Coding change: c.22964T>C on transcript NM_001374736.1 (MANE Select); coding-DNA position 22964, T replaced by C.
Protein change: p.Leu7655Pro; replaces leucine 7655 with proline.
Molecular consequence: missense variant. On other transcripts: intron variant (2).
Genome position (GRCh38, 1-based): chr6:56,463,152, A>G on the plus strand (T>C on the coding strand, the complement: DST is on the minus strand). VCF-style: chr6-56463152-A-G. GRCh37 (hg19) VCF-style: chr6-56327950-A-G.
Other names: c.16535T>C (NM_001144769.2); c.16535T>C, p.Leu5512Pro (NM_001144769.5); c.16121T>C, p.Leu5374Pro (NM_001144770.2); c.22892T>C, p.Leu7631Pro (NM_001374722.1); c.22919T>C, p.Leu7640Pro (NM_001374734.1); c.15023T>C, p.Leu5008Pro (NM_015548.5); c.16001T>C, p.Leu5334Pro (NM_183380.4); c.15741+413T>C (NM_001374730.1); and 1 more; short protein forms L5334P, L7631P, L7640P, L5374P, L5512P, L7655P, L5008P.
Identifiers: ClinVar variation 972435 (VCV000972435.10), dbSNP rs375019954, ClinGen allele CA3866079.
Genomic context (GRCh38, chr6:56,463,152, plus strand): 5'-GGAGTTGACATTTTGCTGTTTGTCAACCATGGTTTACCATAATTGCGTGTTAAAGGATGG[A>G]GAATCTGTATGGAACAATGGCAAATCAAATGAAAAGGATAGCAGATAAAAAAAACAAAGC-3'
Protein context (NP_001361665.1, residues 7645-7665): QVPATTTPKI[Leu7655Pro]HPLTRNYGKP